The following is an entry in ClinVar:

ClinVar aggregate classification (germline): Likely benign (1 of 4 stars; one submission).

Conditions:
Ornithine carbamoyltransferase deficiency (OTCD). Also called: ORNITHINE TRANSCARBAMYLASE DEFICIENCY; ORNITHINE TRANSCARBAMYLASE DEFICIENCY, HYPERAMMONEMIA DUE TO; OTC DEFICIENCY; Ornithine Carbamoyltransferase Deficiency Disease. Identifiers: Orphanet 664, MedGen C0268542, MONDO:0010703, OMIM 311250.

Allele frequency attached by ClinVar (database versions not stated): ExAC 0.00001; gnomAD 0.00001; gnomAD exomes 0.00001; TOPMed 0.00001.
gnomAD v4.1: 4 of 1,208,404 alleles (0.00033%); highest among the groups gnomAD compares: Non-Finnish European, 0.00045%; no homozygotes.

Submission:

All of Us Research Program, National Institutes of Health
Classification: Likely benign for Ornithine carbamoyltransferase deficiency. Last evaluated: 2023-05-04. Review status: criteria provided, single submitter. Criteria: ACMG Guidelines, 2015. Collection method: clinical testing. Allele origin: germline. Inheritance: X-linked inheritance. Observed: 1 variant allele, 1 homozygote.
Comment: This study involves interpretation of variants in research participants for the purpose of population health screening. Participant phenotype was not available at the time of variant classification. Additional details can be found in publication PMID: 35346344, PMCID: PMC8962531

NM_000531.6(OTC):c.718-7A>G

Gene: OTC (ornithine transcarbamylase; plus strand). Cytogenetic location: Xp11.4.
Variant type: single nucleotide variant.
Coding change: c.718-7A>G on transcript NM_000531.6 (MANE Select); 7 bases into the intron before coding-DNA position 718, A replaced by G.
Molecular consequence: intron variant.
Genome position (GRCh38, 1-based): chrX:38,408,869, A>G. VCF-style: chrX-38408869-A-G. GRCh37 (hg19) VCF-style: chrX-38268122-A-G.
Other names: c.718-7A>G (NM_001407092.1).
Identifiers: ClinVar variation 3070749 (VCV003070749.1), dbSNP rs766049162, ClinGen allele CA10385935.